The following is an entry in ClinVar:

NM_001005242.3(PKP2):c.1872G>A (p.Lys624=)

Gene: PKP2 (plakophilin 2; minus strand). Cytogenetic location: 12p11.21.
Variant type: single nucleotide variant.
Coding change: c.1872G>A on transcript NM_001005242.3 (MANE Select); coding-DNA position 1872, G replaced by A.
Protein change: p.Lys624=; no amino-acid change (lysine 624 retained).
Molecular consequence: synonymous variant.
Genome position (GRCh38, 1-based): chr12:32,821,497, C>T on the plus strand (G>A on the coding strand, the complement: PKP2 is on the minus strand). VCF-style: chr12-32821497-C-T. GRCh37 (hg19) VCF-style: chr12-32974431-C-T.
Other names: c.2004G>A, p.Lys668= (NM_004572.4).
Identifiers: ClinVar variation 919121 (VCV000919121.13), dbSNP rs1395644069, ClinGen allele CA479176206.

ClinVar aggregate classification (germline): Likely benign. Review status: criteria provided, multiple submitters, no conflicts (2 of 4 stars). 5 submissions from 5 submitters: Likely benign (5). Last evaluated 2026-04-14.

Conditions:
PKP2-related disorder. Also called: PKP2-related condition.
Cardiovascular phenotype. Identifiers: MedGen CN230736.
Arrhythmogenic right ventricular cardiomyopathy (ARVD). Also called: Cardiomyopathy, ARVC; Arrhythmogenic right ventricular dysplasia; Arrhythmogenic cardiomyopathy; Arrhythmogenic Right Ventricular Cardiomyopathy (ARVC). Identifiers: Orphanet 247, MedGen C0349788, MeSH D019571, MONDO:0016587. Disease mechanism: loss of function. Inheritance: Various modes of inheritance.
Cardiomyopathy (CMYO). Also called: Cardiomyopathies. Identifiers: Orphanet 167848, MedGen C0878544, MONDO:0004994, HP:0001638. Inheritance: Various modes of inheritance.
Arrhythmogenic right ventricular dysplasia 9 (ARVD9). Also called: Arrhythmogenic Right Ventricular Dysplasia/Cardiomyopathy 9; ARRHYTHMOGENIC RIGHT VENTRICULAR DYSPLASIA, FAMILIAL, 9. Identifiers: MedGen C1836906, MONDO:0012180, OMIM 609040.

Allele frequency attached by ClinVar (database versions not stated): gnomAD exomes below 0.00001 and 0.00001; gnomAD 0.00001; TOPMed 0.00001.
gnomAD v4.1: 15 of 1,613,890 alleles (0.00093%); highest among the groups gnomAD compares: Admixed American, 0.023%; 1 homozygote.

Submissions (5):

PreventionGenetics, part of Exact Sciences
Classification: Likely benign for PKP2-related condition. Last evaluated: 2026-04-14. Review status: criteria provided, single submitter. Criteria: ACMG Guidelines, 2015. Collection method: clinical testing. Allele origin: germline.
Comment: This variant is classified as likely benign based on ACMG/AMP sequence variant interpretation guidelines (Richards et al. 2015 PMID: 25741868, with internal and published modifications).

Labcorp Genetics (formerly Invitae), Labcorp
Classification: Likely benign for Arrhythmogenic right ventricular dysplasia 9. Last evaluated: 2026-01-05. Review status: criteria provided, single submitter. Criteria: Invitae Variant Classification Sherloc (09022015). Collection method: clinical testing. Allele origin: germline.

Ambry Genetics
Classification: Likely benign for Cardiovascular phenotype. Last evaluated: 2024-04-04. Review status: criteria provided, single submitter. Criteria: Ambry Variant Classification Scheme 2023. Collection method: clinical testing. Allele origin: germline.

All of Us Research Program, National Institutes of Health
Classification: Likely benign for Arrhythmogenic right ventricular cardiomyopathy. Last evaluated: 2023-04-03. Review status: criteria provided, single submitter. Criteria: ACMG Guidelines, 2015. Collection method: clinical testing. Allele origin: germline. Inheritance: Autosomal dominant inheritance. Observed: 1 variant allele, 1 heterozygote.
Comment: This study involves interpretation of variants in research participants for the purpose of population health screening. Participant phenotype was not available at the time of variant classification. Additional details can be found in publication PMID: 35346344, PMCID: PMC8962531

Color Diagnostics, LLC DBA Color Health
Classification: Likely benign for Cardiomyopathy. Last evaluated: 2019-01-20. Review status: criteria provided, single submitter. Criteria: ACMG Guidelines, 2015. Collection method: clinical testing. Allele origin: germline.